The following is an entry in ClinVar:

NM_012123.4(MTO1):c.1563T>G (p.Ile521Met)

Gene: MTO1 (mitochondrial tRNA translation optimization 1; plus strand). Cytogenetic location: 6q13.
Variant type: single nucleotide variant.
Coding change: c.1563T>G on transcript NM_012123.4 (MANE Select); coding-DNA position 1563, T replaced by G.
Protein change: p.Ile521Met; replaces isoleucine 521 with methionine.
Molecular consequence: missense variant.
Genome position (GRCh38, 1-based): chr6:73,482,546, T>G. VCF-style: chr6-73482546-T-G. GRCh37 (hg19) VCF-style: chr6-74192269-T-G.
Other names: c.1683T>G, p.Ile561Met (NM_001123226.2); c.1638T>G, p.Ile546Met (NM_133645.3); short protein forms I546M, I561M, I521M.
Identifiers: ClinVar variation 1381992 (VCV001381992.7), dbSNP rs2150037480, ClinGen allele CA364717530.
Genomic context (GRCh38, chr6:73,482,546, plus strand): 5'-TGAAAGAGCTTGTTGGATGAAGTCTTCTTTAGAAGAAGGCATTTCTGTGTTGAAATCTAT[T>G]GAGTTTTTGAGCTCTAAATGGAAAAAATTAATCCCAGAGGCTTCTATAAGTACTAGTAGA-3'
Protein context (NP_036255.2, residues 511-531): LEEGISVLKS[Ile521Met]EFLSSKWKKL

ClinVar aggregate classification (germline): Uncertain significance (1 of 4 stars; one submission).

Conditions:
Mitochondrial hypertrophic cardiomyopathy with lactic acidosis due to MTO1 deficiency. Also called: CARDIOMYOPATHY, INFANTILE HYPERTROPHIC MITOCHONDRIAL, AND LACTIC ACIDOSIS; Combined oxidative phosphorylation deficiency 10. Identifiers: Orphanet 314637, MedGen C4749921, MONDO:0013865, OMIM 614702.

gnomAD v4.1: 6 of 1,612,438 alleles (0.00037%); highest among the groups gnomAD compares: Non-Finnish European, 0.00051%; no homozygotes.

Submission:

Labcorp Genetics (formerly Invitae), Labcorp
Classification: Uncertain significance for Mitochondrial hypertrophic cardiomyopathy with lactic acidosis due to MTO1 deficiency. Last evaluated: 2022-03-02. Review status: criteria provided, single submitter. Criteria: Invitae Variant Classification Sherloc (09022015). Collection method: clinical testing. Allele origin: germline.
Comment: In summary, the available evidence is currently insufficient to determine the role of this variant in disease. Therefore, it has been classified as a Variant of Uncertain Significance. Algorithms developed to predict the effect of missense changes on protein structure and function are either unavailable or do not agree on the potential impact of this missense change (SIFT: "Tolerated"; PolyPhen-2: "Possibly Damaging"; Align-GVGD: "Class C0"). This variant has not been reported in the literature in individuals affected with MTO1-related conditions. This variant is not present in population databases (gnomAD no frequency). This sequence change replaces isoleucine, which is neutral and non-polar, with methionine, which is neutral and non-polar, at codon 521 of the MTO1 protein (p.Ile521Met).